The following is an entry in ClinVar:

NM_000093.5(COL5A1):c.3175C>T (p.Pro1059Ser)

Gene: COL5A1 (collagen type V alpha 1 chain; plus strand). Cytogenetic location: 9q34.3.
Variant type: single nucleotide variant.
Coding change: c.3175C>T on transcript NM_000093.5 (MANE Select); coding-DNA position 3175, C replaced by T.
Protein change: p.Pro1059Ser; replaces proline 1059 with serine.
Molecular consequence: missense variant.
Genome position (GRCh38, 1-based): chr9:134,805,035, C>T. VCF-style: chr9-134805035-C-T. GRCh37 (hg19) VCF-style: chr9-137696881-C-T.
Other names: c.3175C>T, p.Pro1059Ser (NM_001278074.1); short protein forms P1059S.
Identifiers: ClinVar variation 5034816 (VCV005034816.1).

ClinVar aggregate classification (germline): Uncertain significance (1 of 4 stars; one submission).

Conditions:
Familial thoracic aortic aneurysm and aortic dissection (TAAD). Also called: Thoracic aortic aneurysms and dissections. Identifiers: Orphanet 91387, MedGen C4707243, MONDO:0019625.

gnomAD v4.1: 1 of 1,613,956 alleles (0.000062%); highest among the groups gnomAD compares: South Asian, 0.0011%; no homozygotes.

Submission:

Ambry Genetics
Classification: Uncertain significance for Familial thoracic aortic aneurysm and aortic dissection. Last evaluated: 2026-07-24. Review status: criteria provided, single submitter. Criteria: Ambry Variant Classification Scheme 2023. Collection method: clinical testing. Allele origin: germline.
Comment: The p.P1059S variant (also known as c.3175C>T), located in coding exon 40 of the COL5A1 gene, results from a C to T substitution at nucleotide position 3175. The proline at codon 1059 is replaced by serine, an amino acid with similar properties. This amino acid position is conserved. In addition, the in silico prediction for this alteration is inconclusive. Based on the available evidence, the clinical significance of this variant remains unclear.